The following is an entry in ClinVar:

NM_006648.4(WNK2):c.301C>A (p.Leu101Met)

Gene: WNK2 (WNK lysine deficient protein kinase 2; plus strand). Cytogenetic location: 9q22.31.
Variant type: single nucleotide variant.
Coding change: c.301C>A on transcript NM_006648.4 (MANE Select); coding-DNA position 301, C replaced by A.
Protein change: p.Leu101Met; replaces leucine 101 with methionine.
Molecular consequence: missense variant.
Genome position (GRCh38, 1-based): chr9:93,185,230, C>A. VCF-style: chr9-93185230-C-A. GRCh37 (hg19) VCF-style: chr9-95947512-C-A.
Other names: c.301C>A, p.Leu101Met (NM_001282394.3); short protein forms L101M.
Identifiers: ClinVar variation 3816517 (VCV003816517.1).

ClinVar aggregate classification (germline): Uncertain significance (1 of 4 stars; one submission).

Submission:

Ambry Genetics
Classification: Uncertain significance. Last evaluated: 2024-12-16. Review status: criteria provided, single submitter. Criteria: Ambry Variant Classification Scheme 2023. Collection method: clinical testing. Allele origin: germline.
Comment: The p.L101M variant (also known as c.301C>A), located in coding exon 1 of the WNK2 gene, results from a C to A substitution at nucleotide position 301. The leucine at codon 101 is replaced by methionine, an amino acid with highly similar properties. This amino acid position is conserved. In addition, this alteration is predicted to be tolerated by in silico analysis. Based on the available evidence, the clinical significance of this variant remains unclear.